The following is an entry in ClinVar:

ClinVar aggregate classification (germline): Uncertain significance (1 of 4 stars; one submission).

Conditions:
Cardiovascular phenotype. Identifiers: MedGen CN230736.

Submission:

Ambry Genetics
Classification: Uncertain significance for Cardiovascular phenotype. Last evaluated: 2023-01-16. Review status: criteria provided, single submitter. Criteria: Ambry Variant Classification Scheme 2023. Collection method: clinical testing. Allele origin: germline.
Comment: The p.Q1813H variant (also known as c.5439G>T), located in coding exon 34 of the MYH6 gene, results from a G to T substitution at nucleotide position 5439. The glutamine at codon 1813 is replaced by histidine, an amino acid with highly similar properties. This amino acid position is conserved. In addition, the in silico prediction for this alteration is inconclusive. Since supporting evidence is limited at this time, the clinical significance of this alteration remains unclear.

NM_002471.4(MYH6):c.5439G>T (p.Gln1813His)

Gene: MYH6 (myosin heavy chain 6; minus strand). Cytogenetic location: 14q11.2.
Variant type: single nucleotide variant.
Coding change: c.5439G>T on transcript NM_002471.4 (MANE Select); coding-DNA position 5439, G replaced by T.
Protein change: p.Gln1813His; replaces glutamine 1813 with histidine.
Molecular consequence: missense variant.
Genome position (GRCh38, 1-based): chr14:23,384,568, C>A on the plus strand (G>T on the coding strand, the complement: MYH6 is on the minus strand). VCF-style: chr14-23384568-C-A. GRCh37 (hg19) VCF-style: chr14-23853777-C-A.
Other names: short protein forms Q1813H.
Identifiers: ClinVar variation 2452923 (VCV002452923.2), dbSNP rs200854143, ClinGen allele CA388984378.